The following is an entry in ClinVar:

ClinVar aggregate classification (germline): Likely benign (1 of 4 stars; one submission).

Allele frequency attached by ClinVar (database versions not stated): gnomAD exomes 0.00012 and 0.00015; gnomAD 0.00015; ExAC 0.00016.
gnomAD v4.1: 180 of 1,221,656 alleles (0.015%); highest among the groups gnomAD compares: Non-Finnish European, 0.018%; no homozygotes.

Submission:

GeneDx
Classification: Likely benign. Last evaluated: 2017-09-06. Review status: criteria provided, single submitter. Criteria: GeneDx Variant Classification (06012015). Collection method: clinical testing. Allele origin: germline. Affected: yes.
Comment: This variant is considered likely benign or benign based on one or more of the following criteria: it is a conservative change, it occurs at a poorly conserved position in the protein, it is predicted to be benign by multiple in silico algorithms, and/or has population frequency not consistent with disease.

NM_025215.6(PUS1):c.-46A>G

Gene: PUS1 (pseudouridine synthase 1; plus strand). Cytogenetic location: 12q24.33.
Variant type: single nucleotide variant.
Coding change: c.-46A>G on transcript NM_025215.6 (MANE Select); 46 bases upstream of the start codon, A replaced by G.
Molecular consequence: 5 prime UTR variant. On other transcripts: intron variant (2).
Genome position (GRCh38, 1-based): chr12:131,929,677, A>G. VCF-style: chr12-131929677-A-G. GRCh37 (hg19) VCF-style: chr12-132414222-A-G.
Other names: c.-10-230A>G (NM_001002019.3, NM_001002020.3).
Identifiers: ClinVar variation 384562 (VCV000384562.1), dbSNP rs756108847, ClinGen allele CA6883949.
Genomic context (GRCh38, chr12:131,929,677, plus strand): 5'-GCAGCGTCAGGGTCCGAGAGGTTAGGGGTCGGCAGAGGCGGAGCTGGGGCACTGGGGGTC[A>G]GGGGTCGGGGATCAGGGCGGGGTCGGGTGCACTGGTAGCCTGCGCATGGGCCTCCAGCTT-3'